The following is an entry in ClinVar:

ClinVar aggregate classification (germline): Likely benign. Review status: criteria provided, multiple submitters, no conflicts (2 of 4 stars). 3 submissions from 3 submitters: Likely benign (2). 1 of the submissions does not count toward it. Last evaluated 2023-11-29.

Conditions:
YARS1-related disorder. Also called: YARS1-related condition.
Charcot-Marie-Tooth disease dominant intermediate C (CMTDIC). Also called: CHARCOT-MARIE-TOOTH NEUROPATHY, DOMINANT INTERMEDIATE C. Identifiers: Orphanet 100045, MedGen C1842237, MONDO:0012012, OMIM 608323.

Allele frequency attached by ClinVar (database versions not stated): gnomAD 0.00001 and 0.00002; gnomAD exomes 0.00001; ExAC 0.00002; TOPMed 0.00002.
gnomAD v4.1: 21 of 1,614,050 alleles (0.0013%); highest among the groups gnomAD compares: Non-Finnish European, 0.0018%; no homozygotes.

Submissions (3):

Athena Diagnostics
Classification: Likely benign. Last evaluated: 2023-11-29. Review status: criteria provided, single submitter. Criteria: Athena Diagnostics Criteria. Collection method: clinical testing. Allele origin: unknown.

Labcorp Genetics (formerly Invitae), Labcorp
Classification: Likely benign for Charcot-Marie-Tooth disease dominant intermediate C. Last evaluated: 2023-07-27. Review status: criteria provided, single submitter. Criteria: Invitae Variant Classification Sherloc (09022015). Collection method: clinical testing. Allele origin: germline.

PreventionGenetics, part of Exact Sciences
Classification: Likely benign for YARS1-related condition. Last evaluated: 2019-03-25. Review status: no assertion criteria provided. Collection method: clinical testing. Allele origin: germline. Not counted in ClinVar's aggregate classification.
Comment: This variant is classified as likely benign based on ACMG/AMP sequence variant interpretation guidelines (Richards et al. 2015 PMID: 25741868, with internal and published modifications).

NM_003680.4(YARS1):c.102G>A (p.Arg34=)

Gene: YARS1 (tyrosyl-tRNA synthetase 1; minus strand). Cytogenetic location: 1p35.1.
Variant type: single nucleotide variant.
Coding change: c.102G>A on transcript NM_003680.4 (MANE Select); coding-DNA position 102, G replaced by A.
Protein change: p.Arg34=; no amino-acid change (arginine 34 retained).
Molecular consequence: synonymous variant.
Genome position (GRCh38, 1-based): chr1:32,811,013, C>T on the plus strand (G>A on the coding strand, the complement: YARS1 is on the minus strand). VCF-style: chr1-32811013-C-T. GRCh37 (hg19) VCF-style: chr1-33276614-C-T.
Other names: c.102G>A (NM_003680.3).
Identifiers: ClinVar variation 1115552 (VCV001115552.12), dbSNP rs779620591, ClinGen allele CA745283.
Genomic context (GRCh38, chr1:32,811,013, plus strand): 5'-CACAAAGTAAGCCACATGTGGTTTGCCCGTGGTTGCCGTTCCCCAGTAAATTTTAAGTTC[C>T]CGCTCCTTCAGTATCTCCTTCAGCTTCTCTTCCCCCAGAACCTCCTATTGTGGAAGCAGA-3'
Protein context (NP_003671.1, residues 24-44): EEKLKEILKE[Arg34=]ELKIYWGTAT